The following is an entry in ClinVar:

NM_003924.4(PHOX2B):c.494C>T (p.Ala165Val)

Gene: PHOX2B (paired like homeobox 2B; minus strand). Cytogenetic location: 4p13.
Variant type: single nucleotide variant.
Coding change: c.494C>T on transcript NM_003924.4 (MANE Select); coding-DNA position 494, C replaced by T.
Protein change: p.Ala165Val; replaces alanine 165 with valine.
Molecular consequence: missense variant.
Genome position (GRCh38, 1-based): chr4:41,746,258, G>A on the plus strand (C>T on the coding strand, the complement: PHOX2B is on the minus strand). VCF-style: chr4-41746258-G-A. GRCh37 (hg19) VCF-style: chr4-41748275-G-A.
Other names: short protein forms A165V.
Identifiers: ClinVar variation 3888499 (VCV003888499.1).
Genomic context (GRCh38, chr4:41,746,258, plus strand): 5'-TTGCTCTCGTCGTCCCTGGAAGAGTCAGACTTTTTGCCCGAGGAGCCGTTCTTGGCCGCG[G>A]CCGCTGCGGCTGCCGCTGCGCGCTCCTGCTTGCGAAACTTGGCGCGGCGGTTCTGGAACC-3'
Protein context (NP_003915.2, residues 155-175): KQERAAAAAA[Ala165Val]AAKNGSSGKK

ClinVar aggregate classification (germline): Uncertain significance (1 of 4 stars; one submission).

Conditions:
Hereditary cancer-predisposing syndrome. Also called: Tumor predisposition; Neoplastic Syndromes, Hereditary; Hereditary Cancer Syndrome; Hereditary neoplastic syndrome. Identifiers: Orphanet 140162, MedGen C0027672, MeSH D009386, MONDO:0015356.

Submission:

Ambry Genetics
Classification: Uncertain significance for Hereditary cancer-predisposing syndrome. Last evaluated: 2025-02-21. Review status: criteria provided, single submitter. Criteria: Ambry Variant Classification Scheme 2023. Collection method: clinical testing. Allele origin: germline.
Comment: The p.A165V variant (also known as c.494C>T), located in coding exon 3 of the PHOX2B gene, results from a C to T substitution at nucleotide position 494. The alanine at codon 165 is replaced by valine, an amino acid with similar properties. This amino acid position is conserved. In addition, the in silico prediction for this alteration is inconclusive. Based on the available evidence, the clinical significance of this variant remains unclear.